The following is an entry in ClinVar:

ClinVar aggregate classification (germline): Uncertain significance. Review status: criteria provided, multiple submitters, no conflicts (2 of 4 stars). 4 submissions from 4 submitters: Uncertain significance (4). Last evaluated 2025-05-22.

Conditions:
Multiple endocrine neoplasia type 4. Also called: MULTIPLE ENDOCRINE NEOPLASIA, TYPE IV. Identifiers: Orphanet 276152, MedGen C1970712, MONDO:0012552, OMIM 610755.
Hereditary cancer-predisposing syndrome. Also called: Neoplastic Syndromes, Hereditary; Tumor predisposition; Hereditary Cancer Syndrome; Hereditary neoplastic syndrome. Identifiers: Orphanet 140162, MedGen C0027672, MeSH D009386, MONDO:0015356.

Allele frequency attached by ClinVar (database versions not stated): gnomAD exomes below 0.00001 and 0.00001; ExAC 0.00001.

Submissions (4):

Labcorp Genetics (formerly Invitae), Labcorp
Classification: Uncertain significance for Multiple endocrine neoplasia type 4. Last evaluated: 2025-05-22. Review status: criteria provided, single submitter. Criteria: Invitae Variant Classification Sherloc (09022015). Collection method: clinical testing. Allele origin: germline.
Comment: This sequence change replaces valine, which is neutral and non-polar, with isoleucine, which is neutral and non-polar, at codon 174 of the CDKN1B protein (p.Val174Ile). This variant is present in population databases (rs766659283, gnomAD 0.0009%). This variant has not been reported in the literature in individuals affected with CDKN1B-related conditions. ClinVar contains an entry for this variant (Variation ID: 536845). An algorithm developed to predict the effect of missense changes on protein structure and function (PolyPhen-2) suggests that this variant is likely to be tolerated. In summary, the available evidence is currently insufficient to determine the role of this variant in disease. Therefore, it has been classified as a Variant of Uncertain Significance.

Ambry Genetics
Classification: Uncertain significance for Hereditary cancer-predisposing syndrome. Last evaluated: 2025-03-26. Review status: criteria provided, single submitter. Criteria: Ambry Variant Classification Scheme 2023. Collection method: clinical testing. Allele origin: germline.
Comment: The p.V174I variant (also known as c.520G>A), located in coding exon 2 of the CDKN1B gene, results from a G to A substitution at nucleotide position 520. The valine at codon 174 is replaced by isoleucine, an amino acid with highly similar properties. This amino acid position is highly conserved in available vertebrate species. In addition, this alteration is predicted to be tolerated by in silico analysis. Since supporting evidence is limited at this time, the clinical significance of this alteration remains unclear.

Quest Diagnostics Nichols Institute San Juan Capistrano
Classification: Uncertain significance. Last evaluated: 2025-03-26. Review status: criteria provided, single submitter. Criteria: Quest Diagnostics criteria. Collection method: clinical testing. Allele origin: unknown.
Comment: The CDKN1B c.520G>A (p.Val174Ile) variant has not been reported in individuals with CDKN1B-related conditions in the published literature. The frequency of this variant in the general population (Genome Aggregation Database) is uninformative in the assessment of its pathogenicity. Analysis of this variant using bioinformatics tools for the prediction of the effect of amino acid changes on protein structure and function yielded predictions that this variant is benign. Based on the available information, we are unable to determine the clinical significance of this variant.

Illumina Laboratory Services, Illumina
Classification: Uncertain significance for Multiple endocrine neoplasia type 4. Last evaluated: 2018-01-13. Review status: criteria provided, single submitter. Criteria: ICSL Variant Classification Criteria 13 December 2019. Collection method: clinical testing. Allele origin: germline.

NM_004064.5(CDKN1B):c.520G>A (p.Val174Ile)

Gene: CDKN1B (cyclin dependent kinase inhibitor 1B; plus strand). Cytogenetic location: 12p13.1.
Variant type: single nucleotide variant.
Coding change: c.520G>A on transcript NM_004064.5 (MANE Select); coding-DNA position 520, G replaced by A.
Protein change: p.Val174Ile; replaces valine 174 with isoleucine.
Molecular consequence: missense variant.
Genome position (GRCh38, 1-based): chr12:12,718,869, G>A. VCF-style: chr12-12718869-G-A. GRCh37 (hg19) VCF-style: chr12-12871803-G-A.
Other names: short protein forms V174I.
Identifiers: ClinVar variation 536845 (VCV000536845.17), dbSNP rs766659283, ClinGen allele CA6457558.